The following is an entry in ClinVar:

ClinVar aggregate classification (germline): not provided (0 of 4 stars; one submission).

Conditions:
Familial long QT syndrome (RWS). Also called: Congenital long QT syndrome; Romano-Ward syndrome; VENTRICULAR FIBRILLATION WITH PROLONGED QT INTERVAL. Identifiers: Orphanet 768, MedGen C1141890, MONDO:0019171.

Submission:

Cardiovascular Biomedical Research Unit, Royal Brompton & Harefield NHS Foundation Trust
No classification provided. Condition: Familial long QT syndrome. Review status: no classification provided. Collection method: literature only. Allele origin: germline.
Comment: This variant has been reported as associated with Long QT syndrome in the following publications (PMID:20541041). This is a literature report, and does not necessarily reflect the clinical interpretation of the Imperial College / Royal Brompton Cardiovascular Genetics laboratory.

Literature cited by the submitters: PubMed 20541041; PubMed 22581653.

NM_000218.3(KCNQ1):c.1805T>C (p.Leu602Pro)

Genes: KCNQ1-AS1 (KCNQ1 antisense RNA 1; minus strand), KCNQ1 (potassium voltage-gated channel subfamily Q member 1; plus strand). Cytogenetic location: 11p15.4.
Variant type: single nucleotide variant.
Coding change: c.1805T>C on transcript NM_000218.3 (MANE Select); coding-DNA position 1805, T replaced by C.
Protein change: p.Leu602Pro; replaces leucine 602 with proline.
Molecular consequence: missense variant.
Genome position (GRCh38, 1-based): chr11:2,847,777, T>C. VCF-style: chr11-2847777-T-C. GRCh37 (hg19) VCF-style: chr11-2869007-T-C.
Other names: c.1805T>C (LRG_287t1); c.1709T>C, p.Leu570Pro (NM_001406836.1); c.1535T>C, p.Leu512Pro (NM_001406837.1); c.1265T>C, p.Leu422Pro (NM_001406838.1); c.317T>C, p.Leu106Pro (NM_001406839.1); c.1424T>C, p.Leu475Pro (NM_181798.2); short protein forms L602P, L475P, L422P, L570P, L106P, L512P.
Identifiers: ClinVar variation 67058 (VCV000067058.3), dbSNP rs199472818, ClinGen allele CA006458.